The following is an entry in ClinVar:

ClinVar aggregate classification (germline): Uncertain significance (1 of 4 stars; one submission).

Conditions:
Mitochondrial complex II deficiency, nuclear type 1. Also called: SUCCINATE CoQ REDUCTASE DEFICIENCY. Identifiers: Orphanet 3208, MedGen C5700310, MONDO:0100294, OMIM 252011.
Pheochromocytoma/paraganglioma syndrome 5. Also called: Paragangliomas 5; SDHA-Related Hereditary Paraganglioma-Pheochromocytoma Syndrome. Identifiers: Orphanet 29072, MedGen C3279992, MONDO:0013602, OMIM 614165.

Allele frequency attached by ClinVar (database versions not stated): gnomAD exomes below 0.00001; ExAC 0.00001.
gnomAD v4.1: 1 of 1,613,736 alleles (0.000062%); highest among the groups gnomAD compares: East Asian, 0.0022%; no homozygotes.

Submission:

Labcorp Genetics (formerly Invitae), Labcorp
Classification: Uncertain significance for Pheochromocytoma/paraganglioma syndrome 5; Mitochondrial complex II deficiency, nuclear type 1. Last evaluated: 2025-08-24. Review status: criteria provided, single submitter. Criteria: Invitae Variant Classification Sherloc (09022015). Collection method: clinical testing. Allele origin: germline.
Comment: This sequence change replaces threonine, which is neutral and polar, with isoleucine, which is neutral and non-polar, at codon 213 of the SDHA protein (p.Thr213Ile). This variant is present in population databases (rs766421069, gnomAD 0.006%). This variant has not been reported in the literature in individuals affected with SDHA-related conditions. ClinVar contains an entry for this variant (Variation ID: 963030). Invitae Evidence Modeling of protein sequence and biophysical properties (such as structural, functional, and spatial information, amino acid conservation, physicochemical variation, residue mobility, and thermodynamic stability) indicates that this missense variant is not expected to disrupt SDHA protein function with a negative predictive value of 95%. In summary, the available evidence is currently insufficient to determine the role of this variant in disease. Therefore, it has been classified as a Variant of Uncertain Significance.

NM_004168.4(SDHA):c.638C>T (p.Thr213Ile)

Gene: SDHA (succinate dehydrogenase complex flavoprotein subunit A; plus strand). Cytogenetic location: 5p15.33.
Variant type: single nucleotide variant.
Coding change: c.638C>T on transcript NM_004168.4 (MANE Select); coding-DNA position 638, C replaced by T.
Protein change: p.Thr213Ile; replaces threonine 213 with isoleucine.
Molecular consequence: missense variant.
Genome position (GRCh38, 1-based): chr5:228,201, C>T. VCF-style: chr5-228201-C-T. GRCh37 (hg19) VCF-style: chr5-228316-C-T.
Other names: c.494C>T, p.Thr165Ile (NM_001294332.2); c.638C>T, p.Thr213Ile (NM_001330758.2); short protein forms T213I, T165I.
Identifiers: ClinVar variation 963030 (VCV000963030.8), dbSNP rs766421069, ClinGen allele CA3172931.